The following is an entry in ClinVar:

NM_000528.4(MAN2B1):c.2801C>A (p.Pro934His)

Gene: MAN2B1 (mannosidase alpha class 2B member 1; minus strand). Cytogenetic location: 19p13.13.
Variant type: single nucleotide variant.
Coding change: c.2801C>A on transcript NM_000528.4 (MANE Select); coding-DNA position 2801, C replaced by A.
Protein change: p.Pro934His; replaces proline 934 with histidine.
Molecular consequence: missense variant.
Genome position (GRCh38, 1-based): chr19:12,647,462, G>T on the plus strand (C>A on the coding strand, the complement: MAN2B1 is on the minus strand). VCF-style: chr19-12647462-G-T. GRCh37 (hg19) VCF-style: chr19-12758276-G-T.
Other names: c.2798C>A, p.Pro933His (NM_001173498.2); short protein forms P933H, P934H.
Identifiers: ClinVar variation 3636917 (VCV003636917.2).

ClinVar aggregate classification (germline): Uncertain significance (1 of 4 stars; one submission).

Conditions:
Deficiency of alpha-mannosidase (MANSA). Also called: Alpha-Mannosidosis; LYSOSOMAL ALPHA-D-MANNOSIDASE DEFICIENCY; Mannosidosis, alpha-, types I and II. Identifiers: Orphanet 61, MedGen C0024748, MONDO:0009561, OMIM 248500.

Submission:

Labcorp Genetics (formerly Invitae), Labcorp
Classification: Uncertain significance for Deficiency of alpha-mannosidase. Last evaluated: 2024-09-19. Review status: criteria provided, single submitter. Criteria: Invitae Variant Classification Sherloc (09022015). Collection method: clinical testing. Allele origin: germline.
Comment: This sequence change replaces proline, which is neutral and non-polar, with histidine, which is basic and polar, at codon 934 of the MAN2B1 protein (p.Pro934His). This variant is not present in population databases (gnomAD no frequency). This variant has not been reported in the literature in individuals affected with MAN2B1-related conditions. Invitae Evidence Modeling of protein sequence and biophysical properties (such as structural, functional, and spatial information, amino acid conservation, physicochemical variation, residue mobility, and thermodynamic stability) has been performed for this missense variant. However, the output from this modeling did not meet the statistical confidence thresholds required to predict the impact of this variant on MAN2B1 protein function. In summary, the available evidence is currently insufficient to determine the role of this variant in disease. Therefore, it has been classified as a Variant of Uncertain Significance.